The following is an entry in ClinVar:

NM_000719.7(CACNA1C):c.5583C>A (p.Tyr1861Ter)

Genes: CACNA1C (calcium voltage-gated channel subunit alpha1 C; plus strand), CACNA1C-AS1 (CACNA1C antisense RNA 1; minus strand). Cytogenetic location: 12p13.33.
Variant type: single nucleotide variant.
Coding change: c.5583C>A on transcript NM_000719.7 (MANE Select); coding-DNA position 5583, C replaced by A.
Protein change: p.Tyr1861Ter; replaces tyrosine 1861 with a stop codon.
Molecular consequence: nonsense.
Genome position (GRCh38, 1-based): chr12:2,685,745, C>A. VCF-style: chr12-2685745-C-A. GRCh37 (hg19) VCF-style: chr12-2794911-C-A.
Other names: c.5727C>A, p.Tyr1909Ter (NM_001129827.2); c.5706C>A, p.Tyr1902Ter (NM_001129829.2); c.5688C>A, p.Tyr1896Ter (NM_001129830.3, NM_001167624.3); c.5667C>A, p.Tyr1889Ter (NM_001129831.2); c.5643C>A, p.Tyr1881Ter (NM_001129832.2); c.5640C>A, p.Tyr1880Ter (NM_001129833.2, NM_001129834.2, NM_001129835.2); c.5634C>A, p.Tyr1878Ter (NM_001129836.2); c.5607C>A, p.Tyr1869Ter (NM_001129837.2, NM_001129838.2); and 6 more; short protein forms Y1850*, Y1858*, Y1861*, Y1867*, Y1869*, Y1878*, Y1880*, Y1881*.
Identifiers: ClinVar variation 3375805 (VCV003375805.1).

ClinVar aggregate classification (germline): Pathogenic (1 of 4 stars; one submission).

Submission:

GeneDx
Classification: Pathogenic. Last evaluated: 2024-05-06. Review status: criteria provided, single submitter. Criteria: GeneDx Variant Classification Process June 2021. Collection method: clinical testing. Allele origin: germline. Affected: yes.
Comment: Nonsense variant predicted to result in protein truncation or nonsense mediated decay in a gene for which loss of function is a known mechanism of disease; Not observed at significant frequency in large population cohorts (gnomAD); Has not been previously published as pathogenic or benign to our knowledge